The following is an entry in ClinVar:

NM_005639.3(SYT1):c.1146C>A (p.Asn382Lys)

Gene: SYT1 (synaptotagmin 1; plus strand). Cytogenetic location: 12q21.2.
Variant type: single nucleotide variant.
Coding change: c.1146C>A on transcript NM_005639.3 (MANE Select); coding-DNA position 1146, C replaced by A.
Protein change: p.Asn382Lys; replaces asparagine 382 with lysine.
Molecular consequence: missense variant.
Genome position (GRCh38, 1-based): chr12:79,449,001, C>A. VCF-style: chr12-79449001-C-A. GRCh37 (hg19) VCF-style: chr12-79842781-C-A.
Other names: c.1146C>A, p.Asn382Lys (NM_001415940.1, NM_001135805.2, NM_001135806.2 and 2 more transcripts); c.1137C>A, p.Asn379Lys (NM_001415941.1, NM_001415942.1, NM_001415943.1 and 1 more transcripts); short protein forms N382K, N379K.
Identifiers: ClinVar variation 5030481 (VCV005030481.1).

ClinVar aggregate classification (germline): Uncertain significance (1 of 4 stars; one submission).

Conditions:
Inborn genetic diseases. Identifiers: MedGen C0950123, MeSH D030342.

gnomAD v4.1: 5 of 1,614,240 alleles (0.00031%); highest among the groups gnomAD compares: Non-Finnish European, 0.00034%; no homozygotes.

Submission:

Ambry Genetics
Classification: Uncertain significance for Inborn genetic diseases. Last evaluated: 2026-08-05. Review status: criteria provided, single submitter. Criteria: Ambry Variant Classification Scheme 2023. Collection method: clinical testing. Allele origin: germline.
Comment: The c.1146C>A (p.N382K) alteration is located in exon 12 (coding exon 8) of the SYT1 gene. This alteration results from a C to A substitution at nucleotide position 1146, causing the asparagine (N) at amino acid position 382 to be replaced by a lysine (K). Based on data from gnomAD, the A allele has an overall frequency of <0.001% (1/251228) total alleles studied. The highest observed frequency was 0.001% (1/113554) of European (non-Finnish) alleles. Based on insufficient or conflicting evidence, the clinical significance of this alteration remains unclear.